The following is an entry in ClinVar:

ClinVar aggregate classification (germline): Likely benign. Review status: criteria provided, single submitter (1 of 4 stars). 2 submissions from 2 submitters: Likely benign (1). 1 of the submissions does not count toward it. Last evaluated 2026-01-19.

Conditions:
WNT1-related disorder. Also called: WNT1-related condition.

Allele frequency attached by ClinVar (database versions not stated): ESP Exome Variant Server 0.00008; gnomAD exomes 0.00008 and 0.00028; ExAC 0.00022; gnomAD 0.00048 and 0.00051; 1000 Genomes Project 0.00080; TOPMed 0.00092; 1000 Genomes Project 30x 0.00094.

Submissions (2):

Labcorp Genetics (formerly Invitae), Labcorp
Classification: Likely benign. Last evaluated: 2026-01-19. Review status: criteria provided, single submitter. Criteria: Invitae Variant Classification Sherloc (09022015). Collection method: clinical testing. Allele origin: germline.

PreventionGenetics, part of Exact Sciences
Classification: Likely benign for WNT1-related condition. Last evaluated: 2019-12-04. Review status: no assertion criteria provided. Collection method: clinical testing. Allele origin: germline. Not counted in ClinVar's aggregate classification.
Comment: This variant is classified as likely benign based on ACMG/AMP sequence variant interpretation guidelines (Richards et al. 2015 PMID: 25741868, with internal and published modifications).

NM_005430.4(WNT1):c.159G>A (p.Leu53=)

Gene: WNT1 (Wnt family member 1; plus strand). Cytogenetic location: 12q13.12.
Variant type: single nucleotide variant.
Coding change: c.159G>A on transcript NM_005430.4 (MANE Select); coding-DNA position 159, G replaced by A.
Protein change: p.Leu53=; no amino-acid change (leucine 53 retained).
Molecular consequence: synonymous variant.
Genome position (GRCh38, 1-based): chr12:48,979,522, G>A. VCF-style: chr12-48979522-G-A. GRCh37 (hg19) VCF-style: chr12-49373305-G-A.
Identifiers: ClinVar variation 746994 (VCV000746994.12), dbSNP rs181106181, ClinGen allele CA6544336.